The following is an entry in ClinVar:

NM_001365536.1(SCN9A):c.239C>T (p.Pro80Leu)

Gene: SCN9A (sodium voltage-gated channel alpha subunit 9; minus strand). Cytogenetic location: 2q24.3.
Variant type: single nucleotide variant.
Coding change: c.239C>T on transcript NM_001365536.1 (MANE Select); coding-DNA position 239, C replaced by T.
Protein change: p.Pro80Leu; replaces proline 80 with leucine.
Molecular consequence: missense variant.
Genome position (GRCh38, 1-based): chr2:166,311,518, G>A on the plus strand (C>T on the coding strand, the complement: SCN9A is on the minus strand). VCF-style: chr2-166311518-G-A. GRCh37 (hg19) VCF-style: chr2-167168028-G-A.
Other names: c.239C>T, p.Pro80Leu (NM_002977.4); short protein forms P80L.
Identifiers: ClinVar variation 1433436 (VCV001433436.8), dbSNP rs2105226335, ClinGen allele CA349095804.

ClinVar aggregate classification (germline): Uncertain significance (1 of 4 stars; one submission).

Conditions:
Generalized epilepsy with febrile seizures plus, type 7 (GEFSP7). Also called: GEFS+, TYPE 7. Identifiers: Orphanet 36387, MedGen C2751778, MONDO:0013470, OMIM 613863.
Neuropathy, hereditary sensory and autonomic, type 2A (HSAN2A). Also called: HSAN IIA; ACROOSTEOLYSIS, GIACCAI TYPE; ACROOSTEOLYSIS, NEUROGENIC; NEUROPATHY, CONGENITAL SENSORY; NEUROPATHY, HEREDITARY SENSORY RADICULAR, AUTOSOMAL RECESSIVE; NEUROPATHY, HEREDITARY SENSORY, TYPE IIA. Identifiers: Orphanet 970, MedGen C2752089, MONDO:0024309, OMIM 201300.

Submission:

Labcorp Genetics (formerly Invitae), Labcorp
Classification: Uncertain significance for Neuropathy, hereditary sensory and autonomic, type 2A; Generalized epilepsy with febrile seizures plus, type 7. Last evaluated: 2021-06-15. Review status: criteria provided, single submitter. Criteria: Invitae Variant Classification Sherloc (09022015). Collection method: clinical testing. Allele origin: germline.
Comment: In summary, the available evidence is currently insufficient to determine the role of this variant in disease. Therefore, it has been classified as a Variant of Uncertain Significance. This sequence change replaces proline with leucine at codon 80 of the SCN9A protein (p.Pro80Leu). The proline residue is highly conserved and there is a moderate physicochemical difference between proline and leucine. This variant has not been reported in the literature in individuals with SCN9A-related conditions. Algorithms developed to predict the effect of missense changes on protein structure and function are either unavailable or do not agree on the potential impact of this missense change (SIFT: "Deleterious"; PolyPhen-2: "Probably Damaging"; Align-GVGD: "Class C0"). This variant is not present in population databases (ExAC no frequency).